The following is an entry in ClinVar:

NM_005271.5(GLUD1):c.*908T>C

Gene: GLUD1 (glutamate dehydrogenase 1; minus strand). Cytogenetic location: 10q23.2.
Variant type: single nucleotide variant.
Coding change: c.*908T>C on transcript NM_005271.5 (MANE Select); 908 bases downstream of the stop codon, T replaced by C.
Molecular consequence: 3 prime UTR variant.
Genome position (GRCh38, 1-based): chr10:87,050,843, A>G on the plus strand (T>C on the coding strand, the complement: GLUD1 is on the minus strand). VCF-style: chr10-87050843-A-G. GRCh37 (hg19) VCF-style: chr10-88810600-A-G.
Other names: c.*908T>C (NM_001318900.1, NM_001318901.1, NM_001318902.1 and 3 more transcripts).
Identifiers: ClinVar variation 301382 (VCV000301382.5), dbSNP rs140942830, ClinGen allele CA10632734.

ClinVar aggregate classification (germline): Likely benign (1 of 4 stars; one submission).

Conditions:
Hyperinsulinism-hyperammonemia syndrome (HHF6). Identifiers: Orphanet 35878, MedGen C1847555, MONDO:0011717, OMIM 606762.

Allele frequency attached by ClinVar (database versions not stated): gnomAD 0.00775 and 0.00817; TOPMed 0.00827; 1000 Genomes Project 30x 0.00968; 1000 Genomes Project 0.01018.

Submission:

Illumina Laboratory Services, Illumina
Classification: Likely benign for Hyperinsulinism-hyperammonemia syndrome. Last evaluated: 2018-01-12. Review status: criteria provided, single submitter. Criteria: ICSL Variant Classification Criteria 13 December 2019. Collection method: clinical testing. Allele origin: germline.
Comment: This variant was observed in the ICSL laboratory as part of a predisposition screen in an ostensibly healthy population. It had not been previously curated by ICSL or reported in the Human Gene Mutation Database (HGMD: prior to June 1st, 2018), and was therefore a candidate for classification through an automated scoring system. Utilizing variant allele frequency, disease prevalence and penetrance estimates, and inheritance mode, an automated score was calculated to assess if this variant is too frequent to cause the disease. Based on the score and internal cut-off values, a variant classified as likely benign is not then subjected to further curation. The score for this variant resulted in a classification of likely benign for this disease.